The following is an entry in ClinVar:

NC_000007.14:g.(?_83367566)_(83648562_?)del

Genes: SEMA3E (semaphorin 3E; minus strand), LOC129998730 (ATAC-STARR-seq lymphoblastoid active region 26215; plus strand). Cytogenetic location: 7q21.11.
Variant type: Deletion.
Identifiers: ClinVar variation 459534 (VCV000459534.7).

ClinVar aggregate classification (germline): Uncertain significance (1 of 4 stars; one submission).

Conditions:
CHARGE syndrome (CHARGE). Also called: Hittner Hirsch Kreh syndrome; CHARGE ASSOCIATION--COLOBOMA, HEART ANOMALY, CHOANAL ATRESIA, RETARDATION, GENITAL AND EAR ANOMALIES; Coloboma, heart anomaly, choanal atresia, retardation, genital and ear anomalies; CHARGE association; Hall-Hittner syndrome. Identifiers: Orphanet 138, MedGen C0265354, MONDO:0008965.

Submission:

Labcorp Genetics (formerly Invitae), Labcorp
Classification: Uncertain significance for CHARGE syndrome. Last evaluated: 2021-08-12. Review status: criteria provided, single submitter. Criteria: Invitae Variant Classification Sherloc (09022015). Collection method: clinical testing. Allele origin: germline.
Comment: A gross deletion of the genomic region encompassing the full coding sequence of the SEMA3E gene has been identified. The current clinical and genetic evidence is not sufficient to establish whether loss-of-function variants in SEMA3E cause disease. The boundaries of this event are unknown as they extend beyond the assayed region for this gene and therefore may encompass additional genes. This variant has not been reported in the literature in individuals affected with SEMA3E-related conditions. In summary, the available evidence is currently insufficient to determine the role of this variant in disease. Therefore, it has been classified as a Variant of Uncertain Significance.